The following is an entry in ClinVar:

ClinVar aggregate classification (germline): Uncertain significance. Review status: criteria provided, multiple submitters, no conflicts (2 of 4 stars). 2 submissions from 2 submitters: Uncertain significance (2). Last evaluated 2024-12-25.

Conditions:
Hereditary cancer-predisposing syndrome. Also called: Hereditary Cancer Syndrome; Hereditary neoplastic syndrome; Tumor predisposition; Neoplastic Syndromes, Hereditary. Identifiers: Orphanet 140162, MedGen C0027672, MeSH D009386, MONDO:0015356.

Allele frequency attached by ClinVar (database versions not stated): TOPMed below 0.00001.

Submissions (2):

Ambry Genetics
Classification: Uncertain significance for Hereditary cancer-predisposing syndrome. Last evaluated: 2024-12-25. Review status: criteria provided, single submitter. Criteria: Ambry Variant Classification Scheme 2023. Collection method: clinical testing. Allele origin: germline.
Comment: The p.R21Q variant (also known as c.62G>A), located in coding exon 1 of the NTHL1 gene, results from a G to A substitution at nucleotide position 62. The arginine at codon 21 is replaced by glutamine, an amino acid with highly similar properties. This amino acid position is conserved. In addition, this alteration is predicted to be tolerated by in silico analysis. Based on the available evidence, the clinical significance of this variant remains unclear.

Labcorp Genetics (formerly Invitae), Labcorp
Classification: Uncertain significance. Last evaluated: 2022-05-05. Review status: criteria provided, single submitter. Criteria: Invitae Variant Classification Sherloc (09022015). Collection method: clinical testing. Allele origin: germline.
Comment: Algorithms developed to predict the effect of missense changes on protein structure and function output the following: SIFT: "Not Available"; PolyPhen-2: "Benign"; Align-GVGD: "Not Available". The glutamine amino acid residue is found in multiple mammalian species, which suggests that this missense change does not adversely affect protein function. In summary, the available evidence is currently insufficient to determine the role of this variant in disease. Therefore, it has been classified as a Variant of Uncertain Significance. This sequence change replaces arginine, which is basic and polar, with glutamine, which is neutral and polar, at codon 21 of the NTHL1 protein (p.Arg21Gln). This variant is not present in population databases (gnomAD no frequency). This variant has not been reported in the literature in individuals affected with NTHL1-related conditions.

NM_002528.7(NTHL1):c.38G>A (p.Arg13Gln)

Gene: NTHL1 (nth like DNA glycosylase 1; minus strand). Cytogenetic location: 16p13.3.
Variant type: single nucleotide variant.
Coding change: c.38G>A on transcript NM_002528.7 (MANE Select); coding-DNA position 38, G replaced by A.
Protein change: p.Arg13Gln; replaces arginine 13 with glutamine.
Molecular consequence: missense variant. On other transcripts: 5 prime UTR variant (1).
Genome position (GRCh38, 1-based): chr16:2,047,786, C>T on the plus strand (G>A on the coding strand, the complement: NTHL1 is on the minus strand). VCF-style: chr16-2047786-C-T. GRCh37 (hg19) VCF-style: chr16-2097787-C-T.
Other names: c.38G>A, p.Arg13Gln (NM_001318193.2); c.-141G>A (NM_001318194.2); c.62G>A (NM_002528.5); short protein forms R13Q.
Identifiers: ClinVar variation 1960116 (VCV001960116.6), dbSNP rs2084526654, ClinGen allele CA394298551.